The following is an entry in ClinVar:

ClinVar aggregate classification (germline): Uncertain significance. Review status: criteria provided, multiple submitters, no conflicts (2 of 4 stars). 4 submissions from 4 submitters: Uncertain significance (3). 1 of the submissions does not count toward it. Last evaluated 2021-07-09.

Conditions:
Mucopolysaccharidosis, MPS-III-C (MPS3C). Also called: MUCOPOLYSACCHARIDOSIS, TYPE IIIC; Mucopolysaccharidosis type IIIC (Sanfilippo C); MPS IIIC (Sanfilippo Syndrome Type C); SANFILIPPO SYNDROME C; mucopolysaccharidosis type 3C; MPS III C. Identifiers: Orphanet 581, Orphanet 79271, MedGen C0086649, MONDO:0009657, OMIM 252930.
Retinitis pigmentosa 73 (RP73). Identifiers: Orphanet 791, MedGen C4225287, MONDO:0014687, OMIM 616544.

Allele frequency attached by ClinVar (database versions not stated): TOPMed 0.00001; gnomAD 0.00001 and 0.00002.
gnomAD v4.1: 30 of 1,608,334 alleles (0.0019%); highest among the groups gnomAD compares: South Asian, 0.0022%; no homozygotes.

Submissions (4):

Fulgent Genetics
Classification: Uncertain significance for Mucopolysaccharidosis, MPS-III-C; Retinitis pigmentosa 73. Last evaluated: 2021-07-09. Review status: criteria provided, single submitter. Criteria: ACMG Guidelines, 2015. Collection method: clinical testing. Allele origin: unknown.

Labcorp Genetics (formerly Invitae), Labcorp
Classification: Uncertain significance for Retinitis pigmentosa 73; Mucopolysaccharidosis, MPS-III-C. Last evaluated: 2019-08-24. Review status: criteria provided, single submitter. Criteria: Invitae Variant Classification Sherloc (09022015). Collection method: clinical testing. Allele origin: germline.
Comment: This sequence change affects codon 376 of the HGSNAT mRNA. It is a 'silent' change, meaning that it does not change the encoded amino acid sequence of the HGSNAT protein. This variant also falls at the last nucleotide of exon 11 of the HGSNAT coding sequence, which is part of the consensus splice site for this exon. This variant is present in population databases (rs770462636, ExAC 0.001%). This variant has not been reported in the literature in individuals with HGSNAT-related conditions. ClinVar contains an entry for this variant (Variation ID: 363146). Nucleotide substitutions within the consensus splice site are a relatively common cause of aberrant splicing (PMID: 17576681, 9536098). Algorithms developed to predict the effect of sequence changes on RNA splicing suggest that this variant may disrupt the consensus splice site, but this prediction has not been confirmed by published transcriptional studies. In summary, the available evidence is currently insufficient to determine the role of this variant in disease. Therefore, it has been classified as a Variant of Uncertain Significance.

Illumina Laboratory Services, Illumina
Classification: Uncertain significance for Mucopolysaccharidosis, MPS-III-C. Last evaluated: 2018-01-12. Review status: criteria provided, single submitter. Criteria: ICSL Variant Classification Criteria 13 December 2019. Collection method: clinical testing. Allele origin: germline.

Natera, Inc.
Classification: Uncertain significance for Mucopolysaccharidosis type IIIC. Last evaluated: 2019-10-28. Review status: no assertion criteria provided. Collection method: clinical testing. Allele origin: germline. Not counted in ClinVar's aggregate classification.

Literature cited by the submitters: PubMed 17576681 (cited by Labcorp Genetics (formerly Invitae), Labcorp); PubMed 9536098 (cited by Labcorp Genetics (formerly Invitae), Labcorp).

NM_152419.3(HGSNAT):c.1128G>A (p.Ser376=)

Gene: HGSNAT (heparan-alpha-glucosaminide N-acetyltransferase; plus strand). Cytogenetic location: 8p11.21.
Variant type: single nucleotide variant.
Coding change: c.1128G>A on transcript NM_152419.3 (MANE Select); coding-DNA position 1128, G replaced by A.
Protein change: p.Ser376=; no amino-acid change (serine 376 retained).
Molecular consequence: synonymous variant.
Genome position (GRCh38, 1-based): chr8:43,182,260, G>A. VCF-style: chr8-43182260-G-A. GRCh37 (hg19) VCF-style: chr8-43037403-G-A.
Other names: c.1128G>A, p.Ser376= (NM_001363227.2); c.936G>A, p.Ser312= (NM_001363228.2); c.264G>A, p.Ser88= (NM_001363229.2).
Identifiers: ClinVar variation 363146 (VCV000363146.12), dbSNP rs770462636, ClinGen allele CA4736752.
Genomic context (GRCh38, chr8:43,182,260, plus strand): 5'-CTTTGTGGTTGCTGTGTTGGAGCTCCTCTTTGCTAAACCTGTGCCTGAACATTGTGCCTC[G>A]GTGAGAAACCATGTTTTAATTAAGAAAAACTTTTTTTAAATTAAAAAAAATGTATTGTGT-3'
Protein context (NP_689632.2, residues 366-386): FAKPVPEHCA[Ser376=]ERSCLSLRDI